The following is an entry in ClinVar:

NM_001605.3(AARS1):c.1797A>T (p.Arg599Ser)

Gene: AARS1 (alanyl-tRNA synthetase 1; minus strand). Cytogenetic location: 16q22.1.
Variant type: single nucleotide variant.
Coding change: c.1797A>T on transcript NM_001605.3 (MANE Select); coding-DNA position 1797, A replaced by T.
Protein change: p.Arg599Ser; replaces arginine 599 with serine.
Molecular consequence: missense variant.
Genome position (GRCh38, 1-based): chr16:70,259,175, T>A on the plus strand (A>T on the coding strand, the complement: AARS1 is on the minus strand). VCF-style: chr16-70259175-T-A. GRCh37 (hg19) VCF-style: chr16-70293078-T-A.
Other names: short protein forms R599S.
Identifiers: ClinVar variation 577053 (VCV000577053.8), dbSNP rs753398944, ClinGen allele CA8140660.

ClinVar aggregate classification (germline): Uncertain significance (1 of 4 stars; one submission).

Conditions:
Charcot-Marie-Tooth disease type 2. Also called: Charcot-Marie-Tooth type 2. Identifiers: Orphanet 64746, MedGen C0270914, MONDO:0018993.

gnomAD v4.1: 2 of 1,614,034 alleles (0.00012%); highest among the groups gnomAD compares: African/African-American, 0.0013%; no homozygotes.

Submission:

Labcorp Genetics (formerly Invitae), Labcorp
Classification: Uncertain significance for Charcot-Marie-Tooth disease type 2. Last evaluated: 2023-11-17. Review status: criteria provided, single submitter. Criteria: Invitae Variant Classification Sherloc (09022015). Collection method: clinical testing. Allele origin: germline.
Comment: This sequence change replaces arginine, which is basic and polar, with serine, which is neutral and polar, at codon 599 of the AARS protein (p.Arg599Ser). This variant is present in population databases (rs753398944, gnomAD 0.0009%). This variant has not been reported in the literature in individuals affected with AARS-related conditions. ClinVar contains an entry for this variant (Variation ID: 577053). Advanced modeling of protein sequence and biophysical properties (such as structural, functional, and spatial information, amino acid conservation, physicochemical variation, residue mobility, and thermodynamic stability) performed at Invitae indicates that this missense variant is not expected to disrupt AARS protein function with a negative predictive value of 95%. In summary, the available evidence is currently insufficient to determine the role of this variant in disease. Therefore, it has been classified as a Variant of Uncertain Significance.